The following is an entry in ClinVar:

ClinVar aggregate classification (germline): Uncertain significance. Review status: criteria provided, multiple submitters, no conflicts (2 of 4 stars). 3 submissions from 3 submitters: Uncertain significance (3). Last evaluated 2023-07-07.

Conditions:
Inborn genetic diseases. Identifiers: MedGen C0950123, MeSH D030342.

Allele frequency attached by ClinVar (database versions not stated): TOPMed 0.00003; gnomAD exomes 0.00004; gnomAD 0.00005; ExAC 0.00009; 1000 Genomes Project 0.00040; 1000 Genomes Project 30x 0.00047.
gnomAD v4.1: 64 of 1,613,554 alleles (0.004%); highest among the groups gnomAD compares: Non-Finnish European, 0.0044%; no homozygotes.

Submissions (3):

Blueprint Genetics
Classification: Uncertain significance. Last evaluated: 2023-07-07. Review status: criteria provided, single submitter. Criteria: ACMG Guidelines, 2015. Collection method: clinical testing. Allele origin: germline.

Ambry Genetics
Classification: Uncertain significance for Inborn genetic diseases. Last evaluated: 2023-03-14. Review status: criteria provided, single submitter. Criteria: Ambry Variant Classification Scheme 2023. Collection method: clinical testing. Allele origin: germline.

GeneDx
Classification: Uncertain significance. Last evaluated: 2022-04-12. Review status: criteria provided, single submitter. Criteria: GeneDx Variant Classification Process June 2021. Collection method: clinical testing. Allele origin: germline. Affected: yes.
Comment: In silico analysis supports that this missense variant has a deleterious effect on protein structure/function; Has not been previously published as pathogenic or benign to our knowledge

NM_017721.5(CC2D1A):c.2366G>A (p.Arg789Gln)

Gene: CC2D1A (coiled-coil and C2 domain containing 1A; plus strand). Cytogenetic location: 19p13.12.
Variant type: single nucleotide variant.
Coding change: c.2366G>A on transcript NM_017721.5 (MANE Select); coding-DNA position 2366, G replaced by A.
Protein change: p.Arg789Gln; replaces arginine 789 with glutamine.
Molecular consequence: missense variant.
Genome position (GRCh38, 1-based): chr19:13,927,942, G>A. VCF-style: chr19-13927942-G-A. GRCh37 (hg19) VCF-style: chr19-14038755-G-A.
Other names: c.2366G>A, p.Arg789Gln (NM_001411138.1); short protein forms R789Q.
Identifiers: ClinVar variation 1710552 (VCV001710552.5), dbSNP rs201236023, ClinGen allele CA9245051.